The following is an entry in ClinVar:

NM_003047.5(SLC9A1):c.855C>T (p.His285=)

Gene: SLC9A1 (solute carrier family 9 member A1; minus strand). Cytogenetic location: 1p36.11.
Variant type: single nucleotide variant.
Coding change: c.855C>T on transcript NM_003047.5 (MANE Select); coding-DNA position 855, C replaced by T.
Protein change: p.His285=; no amino-acid change (histidine 285 retained).
Molecular consequence: synonymous variant. On other transcripts: non-coding transcript variant (1).
Genome position (GRCh38, 1-based): chr1:27,109,736, G>A on the plus strand (C>T on the coding strand, the complement: SLC9A1 is on the minus strand). VCF-style: chr1-27109736-G-A. GRCh37 (hg19) VCF-style: chr1-27436227-G-A.
Other names: c.855C>T (NM_003047.4).
Identifiers: ClinVar variation 2150428 (VCV002150428.6), dbSNP rs201518565, ClinGen allele CA711245.

ClinVar aggregate classification (germline): Benign. Review status: criteria provided, single submitter (1 of 4 stars). 2 submissions from 2 submitters: Benign (1). 1 of the submissions does not count toward it. Last evaluated 2025-05-24.

Conditions:
SLC9A1-related disorder. Also called: SLC9A1-related condition.

Allele frequency attached by ClinVar (database versions not stated): ESP Exome Variant Server 0.00015; gnomAD 0.00024; TOPMed 0.00026; ExAC 0.00034.
gnomAD v4.1: 294 of 1,613,988 alleles (0.018%); highest among the groups gnomAD compares: Admixed American, 0.017%; no homozygotes.

Submissions (2):

Labcorp Genetics (formerly Invitae), Labcorp
Classification: Benign. Last evaluated: 2025-05-24. Review status: criteria provided, single submitter. Criteria: Invitae Variant Classification Sherloc (09022015). Collection method: clinical testing. Allele origin: germline.

PreventionGenetics, part of Exact Sciences
Classification: Benign for SLC9A1-related condition. Last evaluated: 2019-05-16. Review status: no assertion criteria provided. Collection method: clinical testing. Allele origin: germline. Not counted in ClinVar's aggregate classification.
Comment: This variant is classified as benign based on ACMG/AMP sequence variant interpretation guidelines (Richards et al. 2015 PMID: 25741868, with internal and published modifications).